The following is an entry in ClinVar:

NM_003737.4(DCHS1):c.5617C>G (p.Leu1873Val)

Gene: DCHS1 (dachsous cadherin-related 1; minus strand). Cytogenetic location: 11p15.4.
Variant type: single nucleotide variant.
Coding change: c.5617C>G on transcript NM_003737.4 (MANE Select); coding-DNA position 5617, C replaced by G.
Protein change: p.Leu1873Val; replaces leucine 1873 with valine.
Molecular consequence: missense variant.
Genome position (GRCh38, 1-based): chr11:6,627,422, G>C on the plus strand (C>G on the coding strand, the complement: DCHS1 is on the minus strand). VCF-style: chr11-6627422-G-C. GRCh37 (hg19) VCF-style: chr11-6648653-G-C.
Other names: short protein forms L1873V.
Identifiers: ClinVar variation 1492321 (VCV001492321.6), dbSNP rs777978872, ClinGen allele CA5860053.
Genomic context (GRCh38, chr11:6,627,422, plus strand): 5'-AGTAGGTCACATGGCCATTAGCTCCAGCATCAGGGTCATGAGCCTGTAGCTGCAGCAGCA[G>C]GGTCCCTGCAGGCACATCCTCCGGCACCTCCACCGAGTAGGCAGGCACAGGAAAGGCTGG-3'
Protein context (NP_003728.1, residues 1863-1883): EVPEDVPAGT[Leu1873Val]LLQLQAHDPD

ClinVar aggregate classification (germline): Uncertain significance (1 of 4 stars; one submission).

Allele frequency attached by ClinVar (database versions not stated): gnomAD exomes below 0.00001; ExAC 0.00001; gnomAD 0.00001; TOPMed 0.00001.

Submission:

Labcorp Genetics (formerly Invitae), Labcorp
Classification: Uncertain significance. Last evaluated: 2025-07-31. Review status: criteria provided, single submitter. Criteria: Invitae Variant Classification Sherloc (09022015). Collection method: clinical testing. Allele origin: germline.
Comment: This sequence change replaces leucine, which is neutral and non-polar, with valine, which is neutral and non-polar, at codon 1873 of the DCHS1 protein (p.Leu1873Val). This variant is present in population databases (rs777978872, gnomAD no frequency). This variant has not been reported in the literature in individuals affected with DCHS1-related conditions. ClinVar contains an entry for this variant (Variation ID: 1492321). Invitae Evidence Modeling of protein sequence and biophysical properties (such as structural, functional, and spatial information, amino acid conservation, physicochemical variation, residue mobility, and thermodynamic stability) indicates that this missense variant is not expected to disrupt DCHS1 protein function with a negative predictive value of 80%. In summary, the available evidence is currently insufficient to determine the role of this variant in disease. Therefore, it has been classified as a Variant of Uncertain Significance.